The following is an entry in ClinVar:

ClinVar aggregate classification (germline): Uncertain significance (1 of 4 stars; one submission).

Conditions:
KBG syndrome (KBGS). Also called: ANKRD11-Related KBG Syndrome. Identifiers: Orphanet 2332, MedGen C0220687, MONDO:0007846, OMIM 148050.

gnomAD v4.1: 1 of 1,612,716 alleles (0.000062%); highest among the groups gnomAD compares: Non-Finnish European, 0.000085%; no homozygotes.

Submission:

Labcorp Genetics (formerly Invitae), Labcorp
Classification: Uncertain significance for KBG syndrome. Last evaluated: 2023-12-27. Review status: criteria provided, single submitter. Criteria: Invitae Variant Classification Sherloc (09022015). Collection method: clinical testing. Allele origin: germline.
Comment: This sequence change replaces valine, which is neutral and non-polar, with isoleucine, which is neutral and non-polar, at codon 2173 of the ANKRD11 protein (p.Val2173Ile). This variant is not present in population databases (gnomAD no frequency). This variant has not been reported in the literature in individuals affected with ANKRD11-related conditions. Advanced modeling of protein sequence and biophysical properties (such as structural, functional, and spatial information, amino acid conservation, physicochemical variation, residue mobility, and thermodynamic stability) performed at Invitae indicates that this missense variant is not expected to disrupt ANKRD11 protein function with a negative predictive value of 95%. In summary, the available evidence is currently insufficient to determine the role of this variant in disease. Therefore, it has been classified as a Variant of Uncertain Significance.

NM_013275.6(ANKRD11):c.6517G>A (p.Val2173Ile)

Gene: ANKRD11 (ankyrin repeat domain 11; minus strand). Cytogenetic location: 16q24.3.
Variant type: single nucleotide variant.
Coding change: c.6517G>A on transcript NM_013275.6 (MANE Select); coding-DNA position 6517, G replaced by A.
Protein change: p.Val2173Ile; replaces valine 2173 with isoleucine.
Molecular consequence: missense variant.
Genome position (GRCh38, 1-based): chr16:89,280,025, C>T on the plus strand (G>A on the coding strand, the complement: ANKRD11 is on the minus strand). VCF-style: chr16-89280025-C-T. GRCh37 (hg19) VCF-style: chr16-89346433-C-T.
Other names: c.6517G>A, p.Val2173Ile (NM_001256182.2, NM_001256183.2); short protein forms V2173I.
Identifiers: ClinVar variation 2705890 (VCV002705890.3), dbSNP rs764262189, ClinGen allele CA397150845.